The following is an entry in ClinVar:

NM_004946.3(DOCK2):c.4213+4T>C

Gene: DOCK2 (dedicator of cytokinesis 2; plus strand). Cytogenetic location: 5q35.1.
Variant type: single nucleotide variant.
Coding change: c.4213+4T>C on transcript NM_004946.3 (MANE Select); 4 bases into the intron after coding-DNA position 4213, T replaced by C.
Molecular consequence: intron variant.
Genome position (GRCh38, 1-based): chr5:170,050,401, T>C. VCF-style: chr5-170050401-T-C. GRCh37 (hg19) VCF-style: chr5-169477405-T-C.
Identifiers: ClinVar variation 1387869 (VCV001387869.6), dbSNP rs1199164447, ClinGen allele CA564611297.

ClinVar aggregate classification (germline): Uncertain significance (1 of 4 stars; one submission).

Conditions:
DOCK2 deficiency. Also called: Immunodeficiency 40. Identifiers: Orphanet 447737, MedGen C4225328, MONDO:0014637, OMIM 616433.

Allele frequency attached by ClinVar (database versions not stated): gnomAD exomes below 0.00001; TOPMed below 0.00001; gnomAD 0.00001.
gnomAD v4.1: 2 of 1,613,386 alleles (0.00012%); highest among the groups gnomAD compares: Non-Finnish European, 0.00017%; no homozygotes.

Submission:

Labcorp Genetics (formerly Invitae), Labcorp
Classification: Uncertain significance for DOCK2 deficiency. Last evaluated: 2021-04-24. Review status: criteria provided, single submitter. Criteria: Invitae Variant Classification Sherloc (09022015). Collection method: clinical testing. Allele origin: germline.
Comment: In summary, the available evidence is currently insufficient to determine the role of this variant in disease. Therefore, it has been classified as a Variant of Uncertain Significance. Nucleotide substitutions within the consensus splice site are a relatively common cause of aberrant splicing (PMID: 17576681, 9536098). Algorithms developed to predict the effect of sequence changes on RNA splicing suggest that this variant is not likely to affect RNA splicing, but this prediction has not been confirmed by published transcriptional studies. This variant has not been reported in the literature in individuals with DOCK2-related conditions. This variant is not present in population databases (ExAC no frequency). This sequence change falls in intron 41 of the DOCK2 gene. It does not directly change the encoded amino acid sequence of the DOCK2 protein. It affects a nucleotide within the consensus splice site of the intron.

Literature cited by the submitters: PubMed 17576681; PubMed 9536098.